The following is an entry in ClinVar:

ClinVar aggregate classification (germline): Uncertain significance (1 of 4 stars; one submission).

Conditions:
Hereditary cancer-predisposing syndrome. Also called: Neoplastic Syndromes, Hereditary; Tumor predisposition; Hereditary neoplastic syndrome; Hereditary Cancer Syndrome. Identifiers: Orphanet 140162, MedGen C0027672, MeSH D009386, MONDO:0015356.

gnomAD v4.1: 1 of 1,613,558 alleles (0.000062%); highest among the groups gnomAD compares: Non-Finnish European, 0.000085%; no homozygotes.

Submission:

Ambry Genetics
Classification: Uncertain significance for Hereditary cancer-predisposing syndrome. Last evaluated: 2026-07-06. Review status: criteria provided, single submitter. Criteria: Ambry Variant Classification Scheme 2023. Collection method: clinical testing. Allele origin: germline.
Comment: The p.T951K variant (also known as c.2852C>A), located in coding exon 21 of the MSH3 gene, results from a C to A substitution at nucleotide position 2852. The threonine at codon 951 is replaced by lysine, an amino acid with similar properties. This amino acid position is conserved. In addition, this alteration is predicted to be deleterious by in silico analysis. Based on the available evidence, the clinical significance of this variant remains unclear.

NM_002439.5(MSH3):c.2852C>A (p.Thr951Lys)

Gene: MSH3 (mutS homolog 3; plus strand). Cytogenetic location: 5q14.1.
Variant type: single nucleotide variant.
Coding change: c.2852C>A on transcript NM_002439.5 (MANE Select); coding-DNA position 2852, C replaced by A.
Protein change: p.Thr951Lys; replaces threonine 951 with lysine.
Molecular consequence: missense variant.
Genome position (GRCh38, 1-based): chr5:80,854,168, C>A. VCF-style: chr5-80854168-C-A. GRCh37 (hg19) VCF-style: chr5-80149987-C-A.
Other names: short protein forms T951K.
Identifiers: ClinVar variation 5024779 (VCV005024779.1).